The following is an entry in ClinVar:

ClinVar aggregate classification (germline): Uncertain significance (1 of 4 stars; one submission).

Conditions:
Long QT syndrome (LQTS). Identifiers: MedGen C0023976, MeSH D008133, MONDO:0002442. Disease mechanism: loss of function. Inheritance: Various modes of inheritance.

Allele frequency attached by ClinVar (database versions not stated): gnomAD exomes 0.00001.
gnomAD v4.1: 8 of 1,613,826 alleles (0.0005%); highest among the groups gnomAD compares: Non-Finnish European, 0.00059%; no homozygotes.

Submission:

Labcorp Genetics (formerly Invitae), Labcorp
Classification: Uncertain significance for Long QT syndrome. Last evaluated: 2019-04-22. Review status: criteria provided, single submitter. Criteria: Invitae Variant Classification Sherloc (09022015). Collection method: clinical testing. Allele origin: germline.
Comment: This sequence change replaces glycine with alanine at codon 502 of the SNTA1 protein (p.Gly502Ala). The glycine residue is highly conserved and there is a small physicochemical difference between glycine and alanine. This variant is not present in population databases (ExAC no frequency). This variant has not been reported in the literature in individuals with SNTA1-related conditions. Algorithms developed to predict the effect of missense changes on protein structure and function are either unavailable or do not agree on the potential impact of this missense change (SIFT: "Tolerated"; PolyPhen-2: "Probably Damaging"; Align-GVGD: "Class C0"). In summary, the available evidence is currently insufficient to determine the role of this variant in disease. Therefore, it has been classified as a Variant of Uncertain Significance.

NM_003098.3(SNTA1):c.1505G>C (p.Gly502Ala)

Gene: SNTA1 (syntrophin alpha 1; minus strand). Cytogenetic location: 20q11.21.
Variant type: single nucleotide variant.
Coding change: c.1505G>C on transcript NM_003098.3 (MANE Select); coding-DNA position 1505, G replaced by C.
Protein change: p.Gly502Ala; replaces glycine 502 with alanine.
Molecular consequence: missense variant.
Genome position (GRCh38, 1-based): chr20:33,408,520, C>G on the plus strand (G>C on the coding strand, the complement: SNTA1 is on the minus strand). VCF-style: chr20-33408520-C-G. GRCh37 (hg19) VCF-style: chr20-31996326-C-G.
Other names: short protein forms G502A.
Identifiers: ClinVar variation 840523 (VCV000840523.1), dbSNP rs1989651824, ClinGen allele CA408629886.